The following is an entry in ClinVar:

NC_000023.10:g.(?_100601487)_(100662891_?)dup

Genes: BTK (Bruton tyrosine kinase; minus strand), GLA (galactosidase alpha; minus strand), RPL36A (ribosomal protein L36a; plus strand), RPL36A-HNRNPH2 (RPL36A-HNRNPH2 readthrough; plus strand), TIMM8A (translocase of inner mitochondrial membrane 8A; minus strand). Cytogenetic location: Xq22.1.
Variant type: Duplication.
Identifiers: ClinVar variation 2425020 (VCV002425020.3).

ClinVar aggregate classification (germline): Uncertain significance (1 of 4 stars; one submission).

Submission:

Labcorp Genetics (formerly Invitae), Labcorp
Classification: Uncertain significance. Last evaluated: 2022-09-19. Review status: criteria provided, single submitter. Criteria: Invitae Variant Classification Sherloc (09022015). Collection method: clinical testing. Allele origin: germline.
Comment: A copy number gain of the genomic region encompassing the full coding sequence of the TIMM8A gene has been identified. The boundaries of this event are unknown as they extend beyond the assayed region for this gene and therefore may encompass additional genes. As the precise location of this event is unknown, it may be in tandem or it may be located elsewhere in the genome. This variant has not been reported in the literature in individuals affected with TIMM8A-related conditions. In summary, the available evidence is currently insufficient to determine the role of this variant in disease. Therefore, it has been classified as a Variant of Uncertain Significance.